The following is an entry in ClinVar:

NM_198525.3(KIF7):c.2153G>C (p.Arg718Pro)

Gene: KIF7 (kinesin family member 7; minus strand). Cytogenetic location: 15q26.1.
Variant type: single nucleotide variant.
Coding change: c.2153G>C on transcript NM_198525.3 (MANE Select); coding-DNA position 2153, G replaced by C.
Protein change: p.Arg718Pro; replaces arginine 718 with proline.
Molecular consequence: missense variant.
Genome position (GRCh38, 1-based): chr15:89,645,051, C>G on the plus strand (G>C on the coding strand, the complement: KIF7 is on the minus strand). VCF-style: chr15-89645051-C-G. GRCh37 (hg19) VCF-style: chr15-90188282-C-G.
Other names: c.2153G>C (NM_198525.2); short protein forms R718P.
Identifiers: ClinVar variation 1205865 (VCV001205865.10), dbSNP rs138021610, ClinGen allele CA7728311.
Genomic context (GRCh38, chr15:89,645,051, plus strand): 5'-CCACCTGATGCCCACGCCTCACCTGTGCGGACCAGCTCGCCAATAAGCTCCTCCTTCATG[C>G]GGATGTTGATAGCCAGCTCCCGGATCTTCTGCTGGGCCTGGGCCAGCCGCCACTCTGAGG-3'
Protein context (NP_940927.2, residues 708-728): QKIRELAINI[Arg718Pro]MKEELIGELV

ClinVar aggregate classification (germline): Uncertain significance. Review status: criteria provided, multiple submitters, no conflicts (2 of 4 stars). 5 submissions from 5 submitters: Uncertain significance (3). 2 of the submissions do not count toward it. Last evaluated 2025-12-24.

Conditions:
Inborn genetic diseases. Identifiers: MedGen C0950123, MeSH D030342.
Acrocallosal syndrome (ACLS). Also called: Schinzel syndrome 1; Absence of corpus callosum with unusual facial appearance, mental deficiency, duplication of the halluces and polydactyly; HALLUX DUPLICATION, POSTAXIAL POLYDACTYLY, AND ABSENCE OF CORPUS CALLOSUM. Identifiers: Orphanet 36, MedGen C0796147, MONDO:0008708, OMIM 200990.

Allele frequency attached by ClinVar (database versions not stated): ESP Exome Variant Server 0.00015.
gnomAD v4.1: 143 of 1,607,200 alleles (0.0089%); highest among the groups gnomAD compares: Non-Finnish European, 0.012%; no homozygotes.

Submissions (5):

Labcorp Genetics (formerly Invitae), Labcorp
Classification: Uncertain significance for Acrocallosal syndrome. Last evaluated: 2025-12-24. Review status: criteria provided, single submitter. Criteria: Invitae Variant Classification Sherloc (09022015). Collection method: clinical testing. Allele origin: germline.
Comment: This sequence change replaces arginine, which is basic and polar, with proline, which is neutral and non-polar, at codon 718 of the KIF7 protein (p.Arg718Pro). This variant is present in population databases (rs138021610, gnomAD 0.03%). This variant has not been reported in the literature in individuals affected with KIF7-related conditions. ClinVar contains an entry for this variant (Variation ID: 1205865). Invitae Evidence Modeling of protein sequence and biophysical properties (such as structural, functional, and spatial information, amino acid conservation, physicochemical variation, residue mobility, and thermodynamic stability) has been performed for this missense variant. However, the output from this modeling did not meet the statistical confidence thresholds required to predict the impact of this variant on KIF7 protein function. In summary, the available evidence is currently insufficient to determine the role of this variant in disease. Therefore, it has been classified as a Variant of Uncertain Significance.

Blueprint Genetics
Classification: Uncertain significance. Last evaluated: 2024-09-06. Review status: criteria provided, single submitter. Criteria: ACMG Guidelines, 2015. Collection method: clinical testing. Allele origin: germline.

Ambry Genetics
Classification: Uncertain significance for Inborn genetic diseases. Last evaluated: 2024-07-31. Review status: criteria provided, single submitter. Criteria: Ambry Variant Classification Scheme 2023. Collection method: clinical testing. Allele origin: germline.

Joint Genome Diagnostic Labs from Nijmegen and Maastricht, Radboudumc and MUMC+
Classification: Uncertain significance. Review status: no assertion criteria provided. Collection method: clinical testing. Allele origin: germline. Affected: yes. Study: VKGL Data-share Consensus. Not counted in ClinVar's aggregate classification.

Laboratory of Diagnostic Genome Analysis, Leiden University Medical Center (LUMC)
Classification: Uncertain significance. Review status: no assertion criteria provided. Collection method: clinical testing. Allele origin: germline. Affected: yes. Study: VKGL Data-share Consensus. Not counted in ClinVar's aggregate classification.